The following is an entry in ClinVar:

ClinVar aggregate classification (germline): Uncertain significance. Review status: criteria provided, multiple submitters, no conflicts (2 of 4 stars). 2 submissions from 2 submitters: Uncertain significance (2). Last evaluated 2025-10-09.

Allele frequency attached by ClinVar (database versions not stated): gnomAD exomes below 0.00001; TOPMed below 0.00001.
gnomAD v4.1: 2 of 1,612,624 alleles (0.00012%); highest among the groups gnomAD compares: Non-Finnish European, 0.00017%; no homozygotes.

Submissions (2):

Labcorp Genetics (formerly Invitae), Labcorp
Classification: Uncertain significance. Last evaluated: 2025-10-09. Review status: criteria provided, single submitter. Criteria: Invitae Variant Classification Sherloc (09022015). Collection method: clinical testing. Allele origin: germline.
Comment: This sequence change replaces aspartic acid, which is acidic and polar, with valine, which is neutral and non-polar, at codon 869 of the GEN1 protein (p.Asp869Val). This variant is not present in population databases (gnomAD no frequency). This variant has not been reported in the literature in individuals affected with GEN1-related conditions. ClinVar contains an entry for this variant (Variation ID: 2893430). An algorithm developed to predict the effect of missense changes on protein structure and function (PolyPhen-2) suggests that this variant is likely to be tolerated. In summary, the available evidence is currently insufficient to determine the role of this variant in disease. Therefore, it has been classified as a Variant of Uncertain Significance.

Ambry Genetics
Classification: Uncertain significance. Last evaluated: 2025-08-15. Review status: criteria provided, single submitter. Criteria: Ambry Variant Classification Scheme 2023. Collection method: clinical testing. Allele origin: germline.
Comment: The p.D869V variant (also known as c.2606A>T), located in coding exon 13 of the GEN1 gene, results from an A to T substitution at nucleotide position 2606. The aspartic acid at codon 869 is replaced by valine, an amino acid with highly dissimilar properties. This amino acid position is conserved. In addition, this alteration is predicted to be tolerated by in silico analysis. Based on the available evidence, the clinical significance of this variant remains unclear.

NM_001130009.3(GEN1):c.2606A>T (p.Asp869Val)

Gene: GEN1 (GEN1 structure-specific endonuclease; plus strand). Cytogenetic location: 2p24.2.
Variant type: single nucleotide variant.
Coding change: c.2606A>T on transcript NM_001130009.3 (MANE Select); coding-DNA position 2606, A replaced by T.
Protein change: p.Asp869Val; replaces aspartic acid 869 with valine.
Molecular consequence: missense variant.
Genome position (GRCh38, 1-based): chr2:17,781,818, A>T. VCF-style: chr2-17781818-A-T. GRCh37 (hg19) VCF-style: chr2-17963085-A-T.
Other names: c.2606A>T, p.Asp869Val (NM_182625.5); c.2606A>T (NM_001130009.1); short protein forms D869V.
Identifiers: ClinVar variation 2893430 (VCV002893430.4), dbSNP rs1004260070, ClinGen allele CA43361371.
Genomic context (GRCh38, chr2:17,781,818, plus strand): 5'-AAACTGAACAGTGTGTCAGATCTTATGAAACAGCTGAAAATGAAGAAAGCTGTTTCCCAG[A>T]TTCAACAAAAAGTTCTCTGAGTTCTCTACAATGTCATAAGAAAGAAAACAACTCTGGTAC-3'
Protein context (NP_001123481.3, residues 859-879): TAENEESCFP[Asp869Val]STKSSLSSLQ